The following is an entry in ClinVar:

NM_000384.3(APOB):c.5235A>C (p.Ser1745=)

Gene: APOB (apolipoprotein B; minus strand). Cytogenetic location: 2p24.1.
Variant type: single nucleotide variant.
Coding change: c.5235A>C on transcript NM_000384.3 (MANE Select); coding-DNA position 5235, A replaced by C.
Protein change: p.Ser1745=; no amino-acid change (serine 1745 retained).
Molecular consequence: synonymous variant.
Genome position (GRCh38, 1-based): chr2:21,011,633, T>G on the plus strand (A>C on the coding strand, the complement: APOB is on the minus strand). VCF-style: chr2-21011633-T-G. GRCh37 (hg19) VCF-style: chr2-21234505-T-G.
Identifiers: ClinVar variation 698412 (VCV000698412.19), dbSNP rs370017829, ClinGen allele CA061862.

ClinVar aggregate classification (germline): Likely benign. Review status: criteria provided, multiple submitters, no conflicts (2 of 4 stars). 4 submissions from 4 submitters: Likely benign (4). Last evaluated 2025-10-01.

Conditions:
Familial hypercholesterolemia. Also called: Familial hypercholesterolemias; Familial hypercholesterolaemia. Identifiers: MedGen C0020445, MONDO:0005439.
Cardiovascular phenotype. Identifiers: MedGen CN230736.
Familial hypobetalipoproteinemia 1. Also called: APOB-Related Familial Hypobetalipoproteinemia; Hypobetalipoproteinemia, normotriglyceridemic; Acanthocytosis with hypobetalipoproteinemia. Identifiers: MedGen C4551990, MONDO:0014252, OMIM 615558.
Hypercholesterolemia, autosomal dominant, type B (FHCL2). Also called: APOB-Related Familial Hypercholesterolemia, Autosomal Dominant; APOLIPOPROTEIN B-100, FAMILIAL DEFECTIVE; APOLIPOPROTEIN B-100, FAMILIAL LIGAND-DEFECTIVE; HYPERCHOLESTEROLEMIA, FAMILIAL, DUE TO LIGAND-DEFECTIVE APOLIPOPROTEIN B; Familial hypercholesterolemia 2; Familial Hypercholesterolemia Type B. Identifiers: MedGen C1704417, MONDO:0007751, OMIM 144010.

Allele frequency attached by ClinVar (database versions not stated): gnomAD 0.00008 and 0.00009; gnomAD exomes 0.00005 and 0.00021; ExAC 0.00007; ESP Exome Variant Server 0.00008; TOPMed 0.00009.

Submissions (4):

Labcorp Genetics (formerly Invitae), Labcorp
Classification: Likely benign for Familial hypobetalipoproteinemia 1; Hypercholesterolemia, autosomal dominant, type B. Last evaluated: 2025-10-01. Review status: criteria provided, single submitter. Criteria: Invitae Variant Classification Sherloc (09022015). Collection method: clinical testing. Allele origin: germline.

GENinCode PLC
Classification: Likely benign for Familial hypercholesterolemia. Last evaluated: 2024-01-17. Review status: criteria provided, single submitter. Criteria: ACMG Guidelines, 2015. Collection method: clinical testing. Allele origin: germline.
Comment: This is a synonymous (silent) variant that is not predicted by SpliceAI to impact splicing. In addition, it occurs at a nucleotide that is not conserved. Therefore this variant has been classified as Likely Benign (BP4, BP7).

Blueprint Genetics
Classification: Likely benign. Last evaluated: 2023-06-08. Review status: criteria provided, single submitter. Criteria: ACMG Guidelines, 2015. Collection method: clinical testing. Allele origin: germline.

Ambry Genetics
Classification: Likely benign for Cardiovascular phenotype. Last evaluated: 2019-01-22. Review status: criteria provided, single submitter. Criteria: Ambry Variant Classification Scheme 2023. Collection method: clinical testing. Allele origin: germline.